The following is an entry in ClinVar:

ClinVar aggregate classification (germline): Uncertain significance. Review status: criteria provided, multiple submitters, no conflicts (2 of 4 stars). 2 submissions from 2 submitters: Uncertain significance (2). Last evaluated 2026-09-08.

Conditions:
Intellectual developmental disorder, X-linked 1. Also called: Intellectual disability, X-linked 1; Atkin Flaitz Patil Smith syndrome; MENTAL RETARDATION, X-LINKED 18; MENTAL RETARDATION, X-LINKED 78. Identifiers: Orphanet 777, MedGen C2931498, MONDO:0010656, OMIM 309530.

Allele frequency attached by ClinVar (database versions not stated): gnomAD 0.00001; gnomAD exomes below 0.00001; TOPMed 0.00001.
gnomAD v4.1: 2 of 1,207,901 alleles (0.00017%); highest among the groups gnomAD compares: Non-Finnish European, 0.00022%; no homozygotes.

Submissions (2):

GeneDx
Classification: Uncertain significance. Last evaluated: 2026-09-08. Review status: criteria provided, single submitter. Criteria: GeneDx Variant Classification Process June 2021. Collection method: clinical testing. Allele origin: germline.
Comment: Not observed at significant frequency in large population cohorts (gnomAD); In silico analysis supports that this missense variant has a deleterious effect on protein structure/function; Has not been previously published as pathogenic or benign to our knowledge

Labcorp Genetics (formerly Invitae), Labcorp
Classification: Uncertain significance for Intellectual developmental disorder, X-linked 1. Last evaluated: 2024-10-19. Review status: criteria provided, single submitter. Criteria: Invitae Variant Classification Sherloc (09022015). Collection method: clinical testing. Allele origin: germline.
Comment: This sequence change replaces arginine, which is basic and polar, with tryptophan, which is neutral and slightly polar, at codon 582 of the IQSEC2 protein (p.Arg582Trp). This variant is not present in population databases (gnomAD no frequency). This variant has not been reported in the literature in individuals affected with IQSEC2-related conditions. ClinVar contains an entry for this variant (Variation ID: 424607). Invitae Evidence Modeling of protein sequence and biophysical properties (such as structural, functional, and spatial information, amino acid conservation, physicochemical variation, residue mobility, and thermodynamic stability) has been performed for this missense variant. However, the output from this modeling did not meet the statistical confidence thresholds required to predict the impact of this variant on IQSEC2 protein function. In summary, the available evidence is currently insufficient to determine the role of this variant in disease. Therefore, it has been classified as a Variant of Uncertain Significance.

NM_001111125.3(IQSEC2):c.1744C>T (p.Arg582Trp)

Gene: IQSEC2 (IQ motif and Sec7 domain ArfGEF 2; minus strand). Cytogenetic location: Xp11.22.
Variant type: single nucleotide variant.
Coding change: c.1744C>T on transcript NM_001111125.3 (MANE Select); coding-DNA position 1744, C replaced by T.
Protein change: p.Arg582Trp; replaces arginine 582 with tryptophan.
Molecular consequence: missense variant.
Genome position (GRCh38, 1-based): chrX:53,250,832, G>A on the plus strand (C>T on the coding strand, the complement: IQSEC2 is on the minus strand). VCF-style: chrX-53250832-G-A. GRCh37 (hg19) VCF-style: chrX-53280014-G-A.
Other names: c.1129C>T, p.Arg377Trp (NM_015075.2); short protein forms R582W, R377W.
Identifiers: ClinVar variation 424607 (VCV000424607.8), dbSNP rs1064797067, ClinGen allele CA16621445.
Genomic context (GRCh38, chrX:53,250,832, plus strand): 5'-TGTCACTAGGAGGCTCAATGGTAAGCAGGGGAAGGTGGGCAGCCCGCAGCCGGAAATCCC[G>A]GCACTCCAAGCACCCGGGACCCCTGCGAGTGCCTTCCTCACGGCTACCGTCTTCCCGGGT-3'
Protein context (NP_001104595.1, residues 572-592): TRRGPGCLEC[Arg582Trp]DFRLRAAHLP